The following is an entry in ClinVar:

NM_000138.5(FBN1):c.1371C>G (p.Arg457=)

Gene: FBN1 (fibrillin 1; minus strand). Cytogenetic location: 15q21.1.
Variant type: single nucleotide variant.
Coding change: c.1371C>G on transcript NM_000138.5 (MANE Select); coding-DNA position 1371, C replaced by G.
Protein change: p.Arg457=; no amino-acid change (arginine 457 retained).
Molecular consequence: synonymous variant.
Genome position (GRCh38, 1-based): chr15:48,515,484, G>C on the plus strand (C>G on the coding strand, the complement: FBN1 is on the minus strand). VCF-style: chr15-48515484-G-C. GRCh37 (hg19) VCF-style: chr15-48807681-G-C.
Identifiers: ClinVar variation 316386 (VCV000316386.39), dbSNP rs25436, ClinGen allele CA044517.
Genomic context (GRCh38, chr15:48,515,484, plus strand): 5'-GTTGCACTCACACCGGTAACTCCCAGGAGTTGGAATGCAGCGTCCATTTTGACAGAGATA[G>C]CGGACCAACTGGCAGTAATCAGTAACGTTTACTGGCAGCACCCCTAGAAGAACATTAAGC-3'
Protein context (NP_000129.3, residues 447-467): VNVTDYCQLV[Arg457=]YLCQNGRCIP

ClinVar aggregate classification (germline): Benign/Likely benign. Review status: criteria provided, multiple submitters, no conflicts (2 of 4 stars). 14 submissions from 8 submitters: Benign (10); Likely benign (4). Last evaluated 2026-01-28.

Conditions:
Marfan syndrome (MFS). Also called: Marfan syndrome type 1; Marfan's syndrome; MARFAN SYNDROME, TYPE I; Marfan syndrome, classic; FBN1-Related Marfan Syndrome. Identifiers: Orphanet 284963, Orphanet 558, MedGen C0024796, MONDO:0007947, OMIM 154700.
Weill-Marchesani syndrome. Also called: WM Syndrome; Mesodermal dysmorphodystrophy congenital. Identifiers: Orphanet 3449, MedGen C0265313, MONDO:0018096.
Acromicric dysplasia (ACMICD). Also called: Acromicric skeletal dysplasia. Identifiers: Orphanet 969, MedGen C0265287, MONDO:0007055, OMIM 102370.
Stiff skin syndrome (SSKS). Identifiers: Orphanet 2833, MedGen C1861456, MONDO:0008492, OMIM 184900.
Ectopia lentis 1, isolated, autosomal dominant (ECTOL1). Identifiers: Orphanet 1885, MedGen C3541518, MONDO:0007514, OMIM 129600.
Geleophysic dysplasia. Identifiers: Orphanet 2623, MedGen C3489726, MONDO:0000127.
Familial thoracic aortic aneurysm and aortic dissection (TAAD). Also called: Thoracic aortic aneurysms and dissections. Identifiers: Orphanet 91387, MedGen C4707243, MONDO:0019625.

Allele frequency attached by ClinVar (database versions not stated): gnomAD 0.00015 and 0.00019; TOPMed 0.00024; ExAC 0.00038; gnomAD exomes 0.00017 and 0.00043; 1000 Genomes Project 0.00060; 1000 Genomes Project 30x 0.00047.
gnomAD v4.1: 266 of 1,614,042 alleles (0.016%); highest among the groups gnomAD compares: East Asian, 0.57%; no homozygotes.

Submissions (15):

Labcorp Genetics (formerly Invitae), Labcorp
Classification: Benign for Marfan syndrome; Familial thoracic aortic aneurysm and aortic dissection. Last evaluated: 2026-01-28. Review status: criteria provided, single submitter. Criteria: Invitae Variant Classification Sherloc (09022015). Collection method: clinical testing. Allele origin: germline.

Blueprint Genetics
Classification: Likely benign. Last evaluated: 2024-10-11. Review status: criteria provided, single submitter. Criteria: ACMG Guidelines, 2015. Collection method: clinical testing. Allele origin: germline.

ARUP Laboratories, Molecular Genetics and Genomics, ARUP Laboratories
Classification: Benign. Last evaluated: 2024-03-11. Review status: criteria provided, single submitter. Criteria: ARUP Molecular Germline Variant Investigation Process 2024. Collection method: clinical testing. Allele origin: germline.

All of Us Research Program, National Institutes of Health
Classification: Benign for Marfan syndrome. Last evaluated: 2024-02-05. Review status: criteria provided, single submitter. Criteria: ACMG Guidelines, 2015. Collection method: clinical testing. Allele origin: germline. Inheritance: Autosomal dominant inheritance. Observed: 23 variant alleles, 23 heterozygotes.
Comment: This study involves interpretation of variants in research participants for the purpose of population health screening. Participant phenotype was not available at the time of variant classification. Additional details can be found in publication PMID: 35346344, PMCID: PMC8962531

Color Diagnostics, LLC DBA Color Health
Classification: Benign for Familial thoracic aortic aneurysm and aortic dissection. Last evaluated: 2018-09-28. Review status: criteria provided, single submitter. Criteria: ACMG Guidelines, 2015. Collection method: clinical testing. Allele origin: germline.

Illumina Laboratory Services, Illumina
Classification: Benign for Stiff skin syndrome. Last evaluated: 2018-01-13. Review status: criteria provided, single submitter. Criteria: ICSL Variant Classification Criteria 13 December 2019. Collection method: clinical testing. Allele origin: germline.
Comment: This variant was observed in the ICSL laboratory as part of a predisposition screen in an ostensibly healthy population. It had not been previously curated by ICSL or reported in the Human Gene Mutation Database (HGMD: prior to June 1st, 2018), and was therefore a candidate for classification through an automated scoring system. Utilizing variant allele frequency, disease prevalence and penetrance estimates, and inheritance mode, an automated score was calculated to assess if this variant is too frequent to cause the disease. Based on the score and internal cut-off values, a variant classified as benign is not then subjected to further curation. The score for this variant resulted in a classification of benign for this disease.

Illumina Laboratory Services, Illumina
Classification: Likely benign for Familial thoracic aortic aneurysm and aortic dissection. Last evaluated: 2018-01-13. Review status: criteria provided, single submitter. Criteria: ICSL Variant Classification Criteria 13 December 2019. Collection method: clinical testing. Allele origin: germline.
Comment: This variant was observed in the ICSL laboratory as part of a predisposition screen in an ostensibly healthy population. It had not been previously curated by ICSL or reported in the Human Gene Mutation Database (HGMD: prior to June 1st, 2018), and was therefore a candidate for classification through an automated scoring system. Utilizing variant allele frequency, disease prevalence and penetrance estimates, and inheritance mode, an automated score was calculated to assess if this variant is too frequent to cause the disease. Based on the score and internal cut-off values, a variant classified as likely benign is not then subjected to further curation. The score for this variant resulted in a classification of likely benign for this disease.

Illumina Laboratory Services, Illumina
Classification: Benign for Marfan syndrome. Last evaluated: 2018-01-13. Review status: criteria provided, single submitter. Criteria: ICSL Variant Classification Criteria 13 December 2019. Collection method: clinical testing. Allele origin: germline.
Comment: the same text as in the submission from Illumina Laboratory Services, Illumina above.

Illumina Laboratory Services, Illumina
Classification: Benign for Weill-Marchesani syndrome. Last evaluated: 2018-01-13. Review status: criteria provided, single submitter. Criteria: ICSL Variant Classification Criteria 13 December 2019. Collection method: clinical testing. Allele origin: germline.
Comment: the same text as in the submission from Illumina Laboratory Services, Illumina above.

Illumina Laboratory Services, Illumina
Classification: Benign for Geleophysic dysplasia. Last evaluated: 2018-01-13. Review status: criteria provided, single submitter. Criteria: ICSL Variant Classification Criteria 13 December 2019. Collection method: clinical testing. Allele origin: germline.
Comment: the same text as in the submission from Illumina Laboratory Services, Illumina above.

Illumina Laboratory Services, Illumina
Classification: Benign for Acromicric dysplasia. Last evaluated: 2018-01-13. Review status: criteria provided, single submitter. Criteria: ICSL Variant Classification Criteria 13 December 2019. Collection method: clinical testing. Allele origin: germline.
Comment: the same text as in the submission from Illumina Laboratory Services, Illumina above.

Illumina Laboratory Services, Illumina
Classification: Benign for Ectopia lentis 1, isolated, autosomal dominant. Last evaluated: 2018-01-13. Review status: criteria provided, single submitter. Criteria: ICSL Variant Classification Criteria 13 December 2019. Collection method: clinical testing. Allele origin: germline.
Comment: the same text as in the submission from Illumina Laboratory Services, Illumina above.

GeneDx
Classification: Likely benign. Last evaluated: 2017-08-23. Review status: criteria provided, single submitter. Criteria: GeneDx Variant Classification (06012015). Collection method: clinical testing. Allele origin: germline. Affected: yes.
Comment: This variant is considered likely benign or benign based on one or more of the following criteria: it is a conservative change, it occurs at a poorly conserved position in the protein, it is predicted to be benign by multiple in silico algorithms, and/or has population frequency not consistent with disease.

Ambry Genetics
Classification: Likely benign for Familial thoracic aortic aneurysm and aortic dissection. Last evaluated: 2016-12-21. Review status: criteria provided, single submitter. Criteria: Ambry Variant Classification Scheme 2023. Collection method: clinical testing. Allele origin: germline.

Dr. Peter K. Rogan Lab, Western University
No classification provided (evidence only). Condition: Gastric cancer. Review status: no classification provided. Collection method: in vitro. Allele origin: not applicable. Functional consequence: retained intron. Not counted in ClinVar's aggregate classification.